The following is an entry in ClinVar:

NM_006231.4(POLE):c.3122G>A (p.Arg1041Gln)

Gene: POLE (DNA polymerase epsilon, catalytic subunit; minus strand). Cytogenetic location: 12q24.33.
Variant type: single nucleotide variant.
Coding change: c.3122G>A on transcript NM_006231.4 (MANE Select); coding-DNA position 3122, G replaced by A.
Protein change: p.Arg1041Gln; replaces arginine 1041 with glutamine.
Molecular consequence: missense variant.
Genome position (GRCh38, 1-based): chr12:132,659,448, C>T on the plus strand (G>A on the coding strand, the complement: POLE is on the minus strand). VCF-style: chr12-132659448-C-T. GRCh37 (hg19) VCF-style: chr12-133236034-C-T.
Other names: c.3122G>A (NM_006231.2); short protein forms R1041Q.
Identifiers: ClinVar variation 473575 (VCV000473575.16), dbSNP rs774645622, ClinGen allele CA6893352.
Genomic context (GRCh38, chr12:132,659,448, plus strand): 5'-GCCAGGCGCTTTGCTGTGCTGATGGACGTAGACTTCTGCTCCCCGTAATCTTCCAGCTTC[C>T]GAGACATGGAACGGTTCTCAGAGATGAGCTCGAATAGCTCAGAGTCAGGCATGTTGGCTG-3'
Protein context (NP_006222.2, residues 1031-1051): ELISENRSMS[Arg1041Gln]KLEDYGEQKS

ClinVar aggregate classification (germline): Uncertain significance. Review status: criteria provided, multiple submitters, no conflicts (2 of 4 stars). 4 submissions from 4 submitters: Uncertain significance (4). Last evaluated 2025-12-31.

Conditions:
Facial dysmorphism-immunodeficiency-livedo-short stature syndrome. Also called: Facial dysmorphism, immunodeficiency, livedo, and short stature; FILS syndrome. Identifiers: Orphanet 352712, MedGen C3554576, MONDO:0014058, OMIM 615139.
Intrauterine growth retardation, metaphyseal dysplasia, adrenal hypoplasia congenita, genital anomalies, and immunodeficiency. Also called: IMAGEI SYNDROME. Identifiers: MedGen C5193036, MONDO:0032684, OMIM 618336.
Colorectal cancer, susceptibility to, 12 (CRCS12). Also called: COLORECTAL CANCER, SUSCEPTIBILITY TO, ON CHROMOSOME 12q24. Identifiers: Orphanet 220460, MedGen C3554460, MONDO:0014038, OMIM 615083.
Hereditary cancer-predisposing syndrome. Also called: Neoplastic Syndromes, Hereditary; Tumor predisposition; Hereditary Cancer Syndrome; Hereditary neoplastic syndrome. Identifiers: Orphanet 140162, MedGen C0027672, MeSH D009386, MONDO:0015356.

Allele frequency attached by ClinVar (database versions not stated): ExAC 0.00001; gnomAD 0.00001; gnomAD exomes 0.00001 and 0.00002; TOPMed 0.00001.
gnomAD v4.1: 14 of 1,614,084 alleles (0.00087%); highest among the groups gnomAD compares: Admixed American, 0.0067%; no homozygotes.

Submissions (5):

Labcorp Genetics (formerly Invitae), Labcorp
Classification: Uncertain significance. Last evaluated: 2025-12-31. Review status: criteria provided, single submitter. Criteria: Invitae Variant Classification Sherloc (09022015). Collection method: clinical testing. Allele origin: germline.
Comment: This sequence change replaces arginine, which is basic and polar, with glutamine, which is neutral and polar, at codon 1041 of the POLE protein (p.Arg1041Gln). This variant is present in population databases (rs774645622, gnomAD 0.01%). This variant has not been reported in the literature in individuals affected with POLE-related conditions. ClinVar contains an entry for this variant (Variation ID: 473575). Invitae Evidence Modeling of protein sequence and biophysical properties (such as structural, functional, and spatial information, amino acid conservation, physicochemical variation, residue mobility, and thermodynamic stability) has been performed for this missense variant. However, the output from this modeling did not meet the statistical confidence thresholds required to predict the impact of this variant on POLE protein function. In summary, the available evidence is currently insufficient to determine the role of this variant in disease. Therefore, it has been classified as a Variant of Uncertain Significance.

Ambry Genetics
Classification: Uncertain significance for Hereditary cancer-predisposing syndrome. Last evaluated: 2025-02-20. Review status: criteria provided, single submitter. Criteria: Ambry Variant Classification Scheme 2023. Collection method: clinical testing. Allele origin: germline.
Comment: The p.R1041Q variant (also known as c.3122G>A), located in coding exon 26 of the POLE gene, results from a G to A substitution at nucleotide position 3122. The arginine at codon 1041 is replaced by glutamine, an amino acid with highly similar properties. This amino acid position is conserved. In addition, the in silico prediction for this alteration is inconclusive. Based on the available evidence, the clinical significance of this variant remains unclear.

Institute for Clinical Genetics, University Hospital TU Dresden, University Hospital TU Dresden
Classification: Uncertain significance. Last evaluated: 2021-11-03. Review status: criteria provided, single submitter. Criteria: ACMG Guidelines, 2015. Collection method: clinical testing. Allele origin: germline.

Department of Pathology and Laboratory Medicine, Sinai Health System
Classification: Uncertain significance for Colorectal cancer, susceptibility to, 12; Facial dysmorphism-immunodeficiency-livedo-short stature syndrome; Intrauterine growth retardation, metaphyseal dysplasia, adrenal hypoplasia congenita, genital anomalies, and immunodeficiency. Last evaluated: 2020-05-05. Review status: criteria provided, single submitter. Criteria: ACMG Guidelines, 2015. Collection method: clinical testing. Allele origin: germline. Affected: yes.

Dr. Peter K. Rogan Lab, Western University
No classification provided (evidence only). Condition: Squamous cell lung carcinoma. Review status: no classification provided. Collection method: in vitro. Allele origin: not applicable. Functional consequence: retained intron. Not counted in ClinVar's aggregate classification.